The following is an entry in ClinVar:

NM_197968.4(ZMYM2):c.3301+1G>T

Gene: ZMYM2 (zinc finger MYM-type containing 2; plus strand). Cytogenetic location: 13q12.11.
Variant type: single nucleotide variant.
Coding change: c.3301+1G>T on transcript NM_197968.4 (MANE Select); the canonical splice donor site of the intron after coding-DNA position 3301, G replaced by T.
Molecular consequence: splice donor variant.
Genome position (GRCh38, 1-based): chr13:20,067,020, G>T. VCF-style: chr13-20067020-G-T. GRCh37 (hg19) VCF-style: chr13-20641160-G-T.
Other names: c.3040+1G>T (NM_001353163.2); c.3301+1G>T (NM_001353157.2, NM_001353164.2, NM_001353159.2 and 5 more transcripts); c.3106+1G>T (NM_001353161.3).
Identifiers: ClinVar variation 4888152 (VCV004888152.1).

ClinVar aggregate classification (germline): Pathogenic (1 of 4 stars; one submission).

Submission:

GeneDx
Classification: Pathogenic. Last evaluated: 2026-01-30. Review status: criteria provided, single submitter. Criteria: GeneDx Variant Classification Process June 2021. Collection method: clinical testing. Allele origin: germline.
Comment: Canonical splice site variant predicted to result in a null allele in a gene for which loss of function is a known mechanism of disease; Not observed at significant frequency in large population cohorts (gnomAD); Has not been previously published as pathogenic or benign to our knowledge